The following is an entry in ClinVar:

NM_000303.3(PMM2):c.66+5G>A

Gene: PMM2 (phosphomannomutase 2; plus strand). Cytogenetic location: 16p13.2.
Variant type: single nucleotide variant.
Coding change: c.66+5G>A on transcript NM_000303.3 (MANE Select); 5 bases into the intron after coding-DNA position 66, G replaced by A.
Molecular consequence: intron variant.
Genome position (GRCh38, 1-based): chr16:8,797,953, G>A. VCF-style: chr16-8797953-G-A. GRCh37 (hg19) VCF-style: chr16-8891810-G-A.
Identifiers: ClinVar variation 639844 (VCV000639844.8), dbSNP rs375808631, ClinGen allele CA7893863.

ClinVar aggregate classification (germline): Conflicting classifications of pathogenicity. Review status: criteria provided, conflicting classifications (1 of 4 stars). 3 submissions from 3 submitters: Uncertain significance (2); Likely benign (1). Last evaluated 2026-01-21.

Conditions:
PMM2-congenital disorder of glycosylation. Also called: PHOSPHOMANNOMUTASE 2 DEFICIENCY; CARBOHYDRATE-DEFICIENT GLYCOPROTEIN SYNDROME, TYPE Ia; PMM2-CDG; Congenital disorder of glycosylation, type Ia; CDG Ia; JAEKEN SYNDROME. Identifiers: Orphanet 79318, MedGen C0349653, MONDO:0008907, OMIM 212065.

Allele frequency attached by ClinVar (database versions not stated): ExAC 0.00005; gnomAD exomes 0.00005 and 0.00011; TOPMed 0.00008; gnomAD 0.00010 and 0.00011; ESP Exome Variant Server 0.00023; 1000 Genomes Project 30x 0.00031.
gnomAD v4.1: 175 of 1,598,550 alleles (0.011%); highest among the groups gnomAD compares: Non-Finnish European, 0.014%; no homozygotes.

Submissions (3):

Labcorp Genetics (formerly Invitae), Labcorp
Classification: Uncertain significance for PMM2-congenital disorder of glycosylation. Last evaluated: 2026-01-21. Review status: criteria provided, single submitter. Criteria: Invitae Variant Classification Sherloc (09022015). Collection method: clinical testing. Allele origin: germline.
Comment: This sequence change falls in intron 1 of the PMM2 gene. It does not directly change the encoded amino acid sequence of the PMM2 protein. It affects a nucleotide within the consensus splice site. This variant is present in population databases (rs375808631, gnomAD 0.01%). This variant has not been reported in the literature in individuals affected with PMM2-related conditions. ClinVar contains an entry for this variant (Variation ID: 639844). Variants that disrupt the consensus splice site are a relatively common cause of aberrant splicing (PMID: 17576681, 9536098). Algorithms developed to predict the effect of sequence changes on RNA splicing suggest that this variant is not likely to affect RNA splicing. In summary, the available evidence is currently insufficient to determine the role of this variant in disease. Therefore, it has been classified as a Variant of Uncertain Significance.

Fulgent Genetics
Classification: Uncertain significance for PMM2-congenital disorder of glycosylation. Last evaluated: 2023-12-27. Review status: criteria provided, single submitter. Criteria: ACMG Guidelines, 2015. Collection method: clinical testing. Allele origin: germline.

GeneDx
Classification: Likely benign. Last evaluated: 2021-01-13. Review status: criteria provided, single submitter. Criteria: GeneDx Variant Classification Process June 2021. Collection method: clinical testing. Allele origin: germline. Affected: yes.

Literature cited by the submitters: PubMed 17576681 (cited by Labcorp Genetics (formerly Invitae), Labcorp); PubMed 9536098 (cited by Labcorp Genetics (formerly Invitae), Labcorp).